The following is an entry in ClinVar:

NM_001367624.2(ZNF469):c.10325G>A (p.Arg3442Lys)

Gene: ZNF469 (zinc finger protein 469; plus strand). Cytogenetic location: 16q24.2.
Variant type: single nucleotide variant.
Coding change: c.10325G>A on transcript NM_001367624.2 (MANE Select); coding-DNA position 10325, G replaced by A.
Protein change: p.Arg3442Lys; replaces arginine 3442 with lysine.
Molecular consequence: missense variant.
Genome position (GRCh38, 1-based): chr16:88,437,795, G>A. VCF-style: chr16-88437795-G-A. GRCh37 (hg19) VCF-style: chr16-88504203-G-A.
Other names: NM_001127464.1:c.10241G>A; NM_001127464.2:c.10241G>A; p.Arg3442Lys; short protein forms R3442K.
Identifiers: ClinVar variation 450142 (VCV000450142.8), dbSNP rs199528724, ClinGen allele CA397126590.

ClinVar aggregate classification (germline): Conflicting classifications of pathogenicity. Review status: criteria provided, conflicting classifications (1 of 4 stars). 6 submissions from 6 submitters: Uncertain significance (4); Likely benign (1). 1 of the submissions does not count toward it. Last evaluated 2025-10-31.

Conditions:
ZNF469-related disorder. Also called: ZNF469-related condition.
Cardiovascular phenotype. Identifiers: MedGen CN230736.

Allele frequency attached by ClinVar (database versions not stated): TOPMed 0.00004.
gnomAD v4.1: 57 of 1,545,130 alleles (0.0037%); highest among the groups gnomAD compares: Non-Finnish European, 0.0042%; no homozygotes.

Submissions (6):

Women's Health and Genetics/Laboratory Corporation of America, LabCorp
Classification: Uncertain significance. Last evaluated: 2025-10-31. Review status: criteria provided, single submitter. Criteria: LabCorp Variant Classification Summary - May 2015. Collection method: clinical testing. Allele origin: germline.
Comment: Variant summary: ZNF469 c.10325G>A (p.Arg3442Lys) results in a conservative amino acid change in the encoded protein sequence. Algorithms developed to predict the effect of missense changes on protein structure and function are either unavailable or do not agree on the potential impact of this missense change. The variant allele was found at a frequency of 2.1e-05 in 140870 control chromosomes. The available data on variant occurrences in the general population are insufficient to allow any conclusion about variant significance. To our knowledge, no occurrence of c.10325G>A in individuals affected with ZNF469-related conditions and no experimental evidence demonstrating its impact on protein function have been reported. ClinVar contains an entry for this variant (Variation ID: 450142). Based on the evidence outlined above, the variant was classified as uncertain significance.

Mayo Clinic Laboratories, Mayo Clinic
Classification: Uncertain significance. Last evaluated: 2025-07-16. Review status: criteria provided, single submitter. Criteria: ACMG Guidelines, 2015. Collection method: clinical testing. Allele origin: germline. Observed: 1 variant allele.
Comment: BP4_moderate, PM2_supporting

Ambry Genetics
Classification: Likely benign for Cardiovascular phenotype. Last evaluated: 2025-05-28. Review status: criteria provided, single submitter. Criteria: Ambry Variant Classification Scheme 2023. Collection method: clinical testing. Allele origin: germline.

GeneDx
Classification: Uncertain significance. Last evaluated: 2024-07-17. Review status: criteria provided, single submitter. Criteria: GeneDx Variant Classification Process June 2021. Collection method: clinical testing. Allele origin: germline. Affected: yes.
Comment: Has not been previously published as pathogenic or benign to our knowledge; Not observed at significant frequency in large population cohorts (gnomAD); In silico analysis indicates that this missense variant does not alter protein structure/function

Labcorp Genetics (formerly Invitae), Labcorp
Classification: Uncertain significance. Last evaluated: 2022-06-29. Review status: criteria provided, single submitter. Criteria: Invitae Variant Classification Sherloc (09022015). Collection method: clinical testing. Allele origin: germline.
Comment: This sequence change replaces arginine, which is basic and polar, with lysine, which is basic and polar, at codon 3414 of the ZNF469 protein (p.Arg3414Lys). This variant is present in population databases (no rsID available, gnomAD 0.005%). This variant has not been reported in the literature in individuals affected with ZNF469-related conditions. ClinVar contains an entry for this variant (Variation ID: 450142). Algorithms developed to predict the effect of missense changes on protein structure and function (SIFT, PolyPhen-2, Align-GVGD) all suggest that this variant is likely to be tolerated. In summary, the available evidence is currently insufficient to determine the role of this variant in disease. Therefore, it has been classified as a Variant of Uncertain Significance.

PreventionGenetics, part of Exact Sciences
Classification: Uncertain significance for ZNF469-related condition. Last evaluated: 2024-09-05. Review status: no assertion criteria provided. Collection method: clinical testing. Allele origin: germline. Not counted in ClinVar's aggregate classification.
Comment: The ZNF469 c.10241G>A variant is predicted to result in the amino acid substitution p.Arg3414Lys. To our knowledge, this variant has not been reported in the literature. This variant is reported in 0.0046% of alleles in individuals of South Asian descent in gnomAD. At this time, the clinical significance of this variant is uncertain due to the absence of conclusive functional and genetic evidence.